The following is an entry in ClinVar:

NM_014159.7(SETD2):c.5851A>G (p.Thr1951Ala)

Gene: SETD2 (SET domain containing 2, histone lysine methyltransferase; minus strand). Cytogenetic location: 3p21.31.
Variant type: single nucleotide variant.
Coding change: c.5851A>G on transcript NM_014159.7 (MANE Select); coding-DNA position 5851, A replaced by G.
Protein change: p.Thr1951Ala; replaces threonine 1951 with alanine.
Molecular consequence: missense variant. On other transcripts: non-coding transcript variant (1).
Genome position (GRCh38, 1-based): chr3:47,083,929, T>C on the plus strand (A>G on the coding strand, the complement: SETD2 is on the minus strand). VCF-style: chr3-47083929-T-C. GRCh37 (hg19) VCF-style: chr3-47125419-T-C.
Other names: c.5719A>G, p.Thr1907Ala (NM_001349370.3); short protein forms T1907A, T1951A.
Identifiers: ClinVar variation 723088 (VCV000723088.10), dbSNP rs146894026, ClinGen allele CA2362842.

ClinVar aggregate classification (germline): Conflicting classifications of pathogenicity. Review status: criteria provided, conflicting classifications (1 of 4 stars). 3 submissions from 3 submitters: Uncertain significance (1); Benign (1); Likely benign (1). Last evaluated 2025-12-17.

Conditions:
Luscan-Lumish syndrome. Identifiers: Orphanet 597738, MedGen C4085873, MONDO:0014791, OMIM 616831.
Inborn genetic diseases. Identifiers: MedGen C0950123, MeSH D030342.

Allele frequency attached by ClinVar (database versions not stated): gnomAD exomes 0.00002 and 0.00004; ExAC 0.00003; ESP Exome Variant Server 0.00015; TOPMed 0.00016; gnomAD 0.00019 and 0.00021; 1000 Genomes Project 0.00020; 1000 Genomes Project 30x 0.00031.
gnomAD v4.1: 52 of 1,614,182 alleles (0.0032%); highest among the groups gnomAD compares: African/African-American, 0.061%; no homozygotes.

Submissions (3):

Women's Health and Genetics/Laboratory Corporation of America, LabCorp
Classification: Uncertain significance. Last evaluated: 2025-12-17. Review status: criteria provided, single submitter. Criteria: LabCorp Variant Classification Summary - May 2015. Collection method: clinical testing. Allele origin: germline.
Comment: Variant summary: SETD2 c.5851A>G (p.Thr1951Ala) results in a non-conservative amino acid change in the encoded protein sequence. Algorithms developed to predict the effect of missense changes on protein structure and function are either unavailable or do not agree on the potential impact of this missense change. The variant allele was found at a frequency of 3.6e-05 in 251314 control chromosomes. The available data on variant occurrences in the general population are insufficient to allow any conclusion about variant significance. To our knowledge, no occurrence of c.5851A>G in individuals affected with SETD2-related conditions and no experimental evidence demonstrating its impact on protein function have been reported. ClinVar contains an entry for this variant (Variation ID: 723088). Based on the evidence outlined above, the variant was classified as uncertain significance.

Labcorp Genetics (formerly Invitae), Labcorp
Classification: Benign for Luscan-Lumish syndrome. Last evaluated: 2025-01-06. Review status: criteria provided, single submitter. Criteria: Invitae Variant Classification Sherloc (09022015). Collection method: clinical testing. Allele origin: germline.

Ambry Genetics
Classification: Likely benign for Inborn genetic diseases. Last evaluated: 2022-05-05. Review status: criteria provided, single submitter. Criteria: Ambry Variant Classification Scheme 2023. Collection method: clinical testing. Allele origin: germline.